The following is an entry in ClinVar:

ClinVar aggregate classification (germline): Likely benign (1 of 4 stars; one submission).

Allele frequency attached by ClinVar (database versions not stated): gnomAD 0.00005; ExAC 0.00015.
gnomAD v4.1: 57 of 1,613,348 alleles (0.0035%); highest among the groups gnomAD compares: Non-Finnish European, 0.0047%; no homozygotes.

Submission:

CeGaT Center for Human Genetics Tuebingen
Classification: Likely benign. Last evaluated: 2026-01-01. Review status: criteria provided, single submitter. Criteria: CeGaT Center For Human Genetics Tuebingen Variant Classification Criteria Version 2. Collection method: clinical testing. Allele origin: germline. Affected: yes. Observed: 2 variant alleles.
Comment: ZNF573: BP4, BP7

NM_001172690.2(ZNF573):c.1377A>G (p.Arg459=)

Gene: ZNF573 (zinc finger protein 573; minus strand). Cytogenetic location: 19q13.12.
Variant type: single nucleotide variant.
Coding change: c.1377A>G on transcript NM_001172690.2 (MANE Select); coding-DNA position 1377, A replaced by G.
Protein change: p.Arg459=; no amino-acid change (arginine 459 retained).
Molecular consequence: synonymous variant.
Genome position (GRCh38, 1-based): chr19:37,739,113, T>C on the plus strand (A>G on the coding strand, the complement: ZNF573 is on the minus strand). VCF-style: chr19-37739113-T-C. GRCh37 (hg19) VCF-style: chr19-38230014-T-C.
Other names: c.1113A>G, p.Arg371= (NM_001172689.2, NM_001172692.2); c.1371A>G, p.Arg457= (NM_001172691.2); c.1203A>G, p.Arg401= (NM_152360.4).
Identifiers: ClinVar variation 2649776 (VCV002649776.24), dbSNP rs772456780, ClinGen allele CA9408051.